The following is an entry in ClinVar:

ClinVar aggregate classification (germline): Uncertain significance (1 of 4 stars; one submission).

Conditions:
Cohen syndrome (COH1). Also called: Cutis verticis gyrata, retinitis pigmentosa, and sensorineural deafness; PEPPER SYNDROME. Identifiers: Orphanet 193, MedGen C0265223, MONDO:0008999, OMIM 216550.

Submission:

Labcorp Genetics (formerly Invitae), Labcorp
Classification: Uncertain significance for Cohen syndrome. Last evaluated: 2023-06-27. Review status: criteria provided, single submitter. Criteria: Invitae Variant Classification Sherloc (09022015). Collection method: clinical testing. Allele origin: germline.
Comment: Advanced modeling of protein sequence and biophysical properties (such as structural, functional, and spatial information, amino acid conservation, physicochemical variation, residue mobility, and thermodynamic stability) performed at Invitae indicates that this missense variant is not expected to disrupt VPS13B protein function. In summary, the available evidence is currently insufficient to determine the role of this variant in disease. Therefore, it has been classified as a Variant of Uncertain Significance. This variant has not been reported in the literature in individuals affected with VPS13B-related conditions. This sequence change replaces valine, which is neutral and non-polar, with leucine, which is neutral and non-polar, at codon 629 of the VPS13B protein (p.Val629Leu). This variant is not present in population databases (gnomAD no frequency).

NM_152564.5(VPS13B):c.1885G>C (p.Val629Leu)

Gene: VPS13B (vacuolar protein sorting 13 homolog B; plus strand). Cytogenetic location: 8q22.2.
Variant type: single nucleotide variant.
Coding change: c.1885G>C on transcript NM_152564.5 (MANE Select); coding-DNA position 1885, G replaced by C.
Protein change: p.Val629Leu; replaces valine 629 with leucine.
Molecular consequence: missense variant.
Genome position (GRCh38, 1-based): chr8:99,147,882, G>C. VCF-style: chr8-99147882-G-C. GRCh37 (hg19) VCF-style: chr8-100160110-G-C.
Other names: c.1885G>C, p.Val629Leu (NM_015243.3, NM_017890.5); short protein forms V629L.
Identifiers: ClinVar variation 2864509 (VCV002864509.3), dbSNP rs1439794949, ClinGen allele CA371864319.